The following is an entry in ClinVar:

ClinVar aggregate classification (germline): Uncertain significance. Review status: criteria provided, multiple submitters, no conflicts (2 of 4 stars). 2 submissions from 2 submitters: Uncertain significance (2). Last evaluated 2025-07-23.

Conditions:
Inborn genetic diseases. Identifiers: MedGen C0950123, MeSH D030342.

Allele frequency attached by ClinVar (database versions not stated): gnomAD exomes 0.00001; gnomAD 0.00001; TOPMed 0.00002.
gnomAD v4.1: 16 of 1,562,756 alleles (0.001%); highest among the groups gnomAD compares: Non-Finnish European, 0.0011%; no homozygotes.

Submissions (2):

Labcorp Genetics (formerly Invitae), Labcorp
Classification: Uncertain significance. Last evaluated: 2025-07-23. Review status: criteria provided, single submitter. Criteria: Invitae Variant Classification Sherloc (09022015). Collection method: clinical testing. Allele origin: germline.
Comment: This sequence change replaces alanine, which is neutral and non-polar, with valine, which is neutral and non-polar, at codon 66 of the EIF2AK3 protein (p.Ala66Val). This variant is not present in population databases (gnomAD no frequency). This variant has not been reported in the literature in individuals affected with EIF2AK3-related conditions. ClinVar contains an entry for this variant (Variation ID: 1959448). An algorithm developed to predict the effect of missense changes on protein structure and function outputs the following: PolyPhen-2: "Not Available". The valine amino acid residue is found in multiple mammalian species, which suggests that this missense change does not adversely affect protein function. In summary, the available evidence is currently insufficient to determine the role of this variant in disease. Therefore, it has been classified as a Variant of Uncertain Significance.

Ambry Genetics
Classification: Uncertain significance for Inborn genetic diseases. Last evaluated: 2024-09-11. Review status: criteria provided, single submitter. Criteria: Ambry Variant Classification Scheme 2023. Collection method: clinical testing. Allele origin: germline.

NM_004836.7(EIF2AK3):c.197C>T (p.Ala66Val)

Gene: EIF2AK3 (eukaryotic translation initiation factor 2 alpha kinase 3; minus strand). Cytogenetic location: 2p11.2.
Variant type: single nucleotide variant.
Coding change: c.197C>T on transcript NM_004836.7 (MANE Select); coding-DNA position 197, C replaced by T.
Protein change: p.Ala66Val; replaces alanine 66 with valine.
Molecular consequence: missense variant.
Genome position (GRCh38, 1-based): chr2:88,627,078, G>A on the plus strand (C>T on the coding strand, the complement: EIF2AK3 is on the minus strand). VCF-style: chr2-88627078-G-A. GRCh37 (hg19) VCF-style: chr2-88926596-G-A.
Other names: c.197C>T (NM_004836.5); short protein forms A66V.
Identifiers: ClinVar variation 1959448 (VCV001959448.4), dbSNP rs746375881, ClinGen allele CA1755000.